The following is an entry in ClinVar:

ClinVar aggregate classification (germline): Uncertain significance (1 of 4 stars; one submission).

Submission:

Labcorp Genetics (formerly Invitae), Labcorp
Classification: Uncertain significance. Last evaluated: 2021-05-20. Review status: criteria provided, single submitter. Criteria: Invitae Variant Classification Sherloc (09022015). Collection method: clinical testing. Allele origin: germline.
Comment: In summary, the available evidence is currently insufficient to determine the role of this variant in disease. Therefore, it has been classified as a Variant of Uncertain Significance. This variant has not been reported in the literature in individuals with TRPC6-related conditions. This variant is not present in population databases (ExAC no frequency). This sequence change creates a premature translational stop signal (p.Gln871*) in the TRPC6 gene. While this is not anticipated to result in nonsense mediated decay, it is expected to disrupt the last 61 amino acid(s) of the TRPC6 protein.

NM_004621.6(TRPC6):c.2611C>T (p.Gln871Ter)

Gene: TRPC6 (transient receptor potential cation channel subfamily C member 6; minus strand). Cytogenetic location: 11q22.1.
Variant type: single nucleotide variant.
Coding change: c.2611C>T on transcript NM_004621.6 (MANE Select); coding-DNA position 2611, C replaced by T.
Protein change: p.Gln871Ter; replaces glutamine 871 with a stop codon.
Molecular consequence: nonsense.
Genome position (GRCh38, 1-based): chr11:101,453,683, G>A on the plus strand (C>T on the coding strand, the complement: TRPC6 is on the minus strand). VCF-style: chr11-101453683-G-A. GRCh37 (hg19) VCF-style: chr11-101324414-G-A.
Other names: short protein forms Q871*.
Identifiers: ClinVar variation 1345297 (VCV001345297.6), dbSNP rs2136636561, ClinGen allele CA382487180.